The following is an entry in ClinVar:

ClinVar aggregate classification (germline): Uncertain significance. Review status: criteria provided, multiple submitters, no conflicts (2 of 4 stars). 2 submissions from 2 submitters: Uncertain significance (2). Last evaluated 2024-12-31.

Allele frequency attached by ClinVar (database versions not stated): gnomAD exomes 0.00001; ExAC 0.00002; gnomAD 0.00002; TOPMed 0.00005; ESP Exome Variant Server 0.00008.
gnomAD v4.1: 17 of 1,609,360 alleles (0.0011%); highest among the groups gnomAD compares: African/African-American, 0.0027%; no homozygotes.

Submissions (2):

Ambry Genetics
Classification: Uncertain significance. Last evaluated: 2024-12-31. Review status: criteria provided, single submitter. Criteria: Ambry Variant Classification Scheme 2023. Collection method: clinical testing. Allele origin: germline.

Labcorp Genetics (formerly Invitae), Labcorp
Classification: Uncertain significance. Last evaluated: 2022-07-27. Review status: criteria provided, single submitter. Criteria: Invitae Variant Classification Sherloc (09022015). Collection method: clinical testing. Allele origin: germline.
Comment: This sequence change replaces glycine, which is neutral and non-polar, with arginine, which is basic and polar, at codon 964 of the LARS protein (p.Gly964Arg). This variant is present in population databases (rs368728386, gnomAD 0.004%). This variant has not been reported in the literature in individuals affected with LARS-related conditions. Algorithms developed to predict the effect of missense changes on protein structure and function output the following: SIFT: "Not Available"; PolyPhen-2: "Benign"; Align-GVGD: "Not Available". The arginine amino acid residue is found in multiple mammalian species, which suggests that this missense change does not adversely affect protein function. In summary, the available evidence is currently insufficient to determine the role of this variant in disease. Therefore, it has been classified as a Variant of Uncertain Significance.

NM_020117.11(LARS1):c.2890G>A (p.Gly964Arg)

Gene: LARS1 (leucyl-tRNA synthetase 1; minus strand). Cytogenetic location: 5q32.
Variant type: single nucleotide variant.
Coding change: c.2890G>A on transcript NM_020117.11 (MANE Select); coding-DNA position 2890, G replaced by A.
Protein change: p.Gly964Arg; replaces glycine 964 with arginine.
Molecular consequence: missense variant.
Genome position (GRCh38, 1-based): chr5:146,126,536, C>T on the plus strand (G>A on the coding strand, the complement: LARS1 is on the minus strand). VCF-style: chr5-146126536-C-T. GRCh37 (hg19) VCF-style: chr5-145506099-C-T.
Other names: c.2752G>A, p.Gly918Arg (NM_001317964.2); c.2728G>A, p.Gly910Arg (NM_001317965.2); c.2809G>A, p.Gly937Arg (NM_016460.4); c.2890G>A (NM_020117.9); short protein forms G910R, G918R, G937R, G964R.
Identifiers: ClinVar variation 2180249 (VCV002180249.2), dbSNP rs368728386, ClinGen allele CA3489173.